The following is an entry in ClinVar:

NM_002230.4(JUP):c.880C>T (p.Leu294Phe)

Gene: JUP (junction plakoglobin; minus strand). Cytogenetic location: 17q21.2.
Variant type: single nucleotide variant.
Coding change: c.880C>T on transcript NM_002230.4 (MANE Select); coding-DNA position 880, C replaced by T.
Protein change: p.Leu294Phe; replaces leucine 294 with phenylalanine.
Molecular consequence: missense variant.
Genome position (GRCh38, 1-based): chr17:41,767,408, G>A on the plus strand (C>T on the coding strand, the complement: JUP is on the minus strand). VCF-style: chr17-41767408-G-A. GRCh37 (hg19) VCF-style: chr17-39923660-G-A.
Other names: c.880C>T, p.Leu294Phe (NM_001352773.2, NM_001352774.2, NM_001352775.2 and 3 more transcripts); short protein forms L294F.
Identifiers: ClinVar variation 2563202 (VCV002563202.2), dbSNP rs2544160203, ClinGen allele CA399500643.

ClinVar aggregate classification (germline): Uncertain significance (1 of 4 stars; one submission).

Conditions:
Cardiovascular phenotype. Identifiers: MedGen CN230736.

Submission:

Ambry Genetics
Classification: Uncertain significance for Cardiovascular phenotype. Last evaluated: 2023-03-24. Review status: criteria provided, single submitter. Criteria: Ambry Variant Classification Scheme 2023. Collection method: clinical testing. Allele origin: germline.
Comment: The p.L294F variant (also known as c.880C>T), located in coding exon 4 of the JUP gene, results from a C to T substitution at nucleotide position 880. The leucine at codon 294 is replaced by phenylalanine, an amino acid with highly similar properties. This amino acid position is conserved. In addition, this alteration is predicted to be tolerated by in silico analysis. Since supporting evidence is limited at this time, the clinical significance of this alteration remains unclear.